The following is an entry in ClinVar:

NM_001114753.3(ENG):c.952C>T (p.Pro318Ser)

Gene: ENG (endoglin; minus strand). Cytogenetic location: 9q34.11.
Variant type: single nucleotide variant.
Coding change: c.952C>T on transcript NM_001114753.3 (MANE Select); coding-DNA position 952, C replaced by T.
Protein change: p.Pro318Ser; replaces proline 318 with serine.
Molecular consequence: missense variant.
Genome position (GRCh38, 1-based): chr9:127,824,839, G>A on the plus strand (C>T on the coding strand, the complement: ENG is on the minus strand). VCF-style: chr9-127824839-G-A. GRCh37 (hg19) VCF-style: chr9-130587118-G-A.
Other names: c.952C>T, p.Pro318Ser (NM_000118.4, NM_001406715.1); c.406C>T, p.Pro136Ser (NM_001278138.2); short protein forms P136S, P318S.
Identifiers: ClinVar variation 4870480 (VCV004870480.1).

ClinVar aggregate classification (germline): Uncertain significance (1 of 4 stars; one submission).

Conditions:
Cardiovascular phenotype. Identifiers: MedGen CN230736.

Submission:

Ambry Genetics
Classification: Uncertain significance for Cardiovascular phenotype. Last evaluated: 2026-06-06. Review status: criteria provided, single submitter. Criteria: Ambry Variant Classification Scheme 2023. Collection method: clinical testing. Allele origin: germline.
Comment: The p.P318S variant (also known as c.952C>T), located in coding exon 7 of the ENG gene, results from a C to T substitution at nucleotide position 952. The proline at codon 318 is replaced by serine, an amino acid with similar properties. This amino acid position is conserved. In addition, the in silico prediction for this alteration is inconclusive. Based on the available evidence, the clinical significance of this variant remains unclear.